The following is an entry in ClinVar:

NM_004006.3(DMD):c.5456A>G (p.Asp1819Gly)

Gene: DMD (dystrophin; minus strand). Cytogenetic location: Xp21.1.
Variant type: single nucleotide variant.
Coding change: c.5456A>G on transcript NM_004006.3 (MANE Select); coding-DNA position 5456, A replaced by G.
Protein change: p.Asp1819Gly; replaces aspartic acid 1819 with glycine.
Molecular consequence: missense variant.
Genome position (GRCh38, 1-based): chrX:32,346,073, T>C on the plus strand (A>G on the coding strand, the complement: DMD is on the minus strand). VCF-style: chrX-32346073-T-C. GRCh37 (hg19) VCF-style: chrX-32364190-T-C.
Other names: c.5432A>G, p.Asp1811Gly (NM_000109.4); c.5444A>G, p.Asp1815Gly (NM_004009.3); c.5087A>G, p.Asp1696Gly (NM_004010.3); c.1433A>G, p.Asp478Gly (NM_004011.4); c.1424A>G, p.Asp475Gly (NM_004012.4); short protein forms D1696G, D1811G, D1815G, D1819G, D475G, D478G.
Identifiers: ClinVar variation 4082932 (VCV004082932.1).

ClinVar aggregate classification (germline): Uncertain significance (1 of 4 stars; one submission).

gnomAD v4.1: 1 of 1,209,988 alleles (0.000083%); highest among the groups gnomAD compares: Non-Finnish European, 0.00011%; no homozygotes.

Submission:

GeneDx
Classification: Uncertain significance. Last evaluated: 2025-03-11. Review status: criteria provided, single submitter. Criteria: GeneDx Variant Classification Process June 2021. Collection method: clinical testing. Allele origin: germline. Affected: yes.
Comment: Not observed at significant frequency in large population cohorts (gnomAD); In silico analysis supports that this missense variant has a deleterious effect on protein structure/function; Missense variant in a gene in which most reported pathogenic variants are truncating/loss of function; Has not been previously published as pathogenic or benign to our knowledge